The following is an entry in ClinVar:

ClinVar aggregate classification (germline): Uncertain significance (1 of 4 stars; one submission).

Conditions:
Catecholaminergic polymorphic ventricular tachycardia 1. Also called: VENTRICULAR TACHYCARDIA, STRESS-INDUCED POLYMORPHIC 1; VENTRICULAR TACHYCARDIA, CATECHOLAMINERGIC POLYMORPHIC, 1, WITH OR WITHOUT ATRIAL DYSFUNCTION AND/OR DILATED CARDIOMYOPATHY; RYR2-Related Catecholaminergic Polymorphic Ventricular Tachycardia. Identifiers: Orphanet 3286, MedGen C1631597, MONDO:0011484, OMIM 604772.

Submission:

Labcorp Genetics (formerly Invitae), Labcorp
Classification: Uncertain significance for Catecholaminergic polymorphic ventricular tachycardia 1. Last evaluated: 2024-07-17. Review status: criteria provided, single submitter. Criteria: Invitae Variant Classification Sherloc (09022015). Collection method: clinical testing. Allele origin: germline.
Comment: This sequence change replaces leucine, which is neutral and non-polar, with phenylalanine, which is neutral and non-polar, at codon 1518 of the RYR2 protein (p.Leu1518Phe). This variant is not present in population databases (gnomAD no frequency). This missense change has been observed in individual(s) with catecholaminergic polymorphic ventricular tachycardia (PMID: 29434162). Advanced modeling of protein sequence and biophysical properties (such as structural, functional, and spatial information, amino acid conservation, physicochemical variation, residue mobility, and thermodynamic stability) performed at Invitae indicates that this missense variant is not expected to disrupt RYR2 protein function with a negative predictive value of 95%. In summary, the available evidence is currently insufficient to determine the role of this variant in disease. Therefore, it has been classified as a Variant of Uncertain Significance.

Literature cited by the submitters: PubMed 29434162.

NM_001035.3(RYR2):c.4552C>T (p.Leu1518Phe)

Gene: RYR2 (ryanodine receptor 2; plus strand). Cytogenetic location: 1q43.
Variant type: single nucleotide variant.
Coding change: c.4552C>T on transcript NM_001035.3 (MANE Select); coding-DNA position 4552, C replaced by T.
Protein change: p.Leu1518Phe; replaces leucine 1518 with phenylalanine.
Molecular consequence: missense variant.
Genome position (GRCh38, 1-based): chr1:237,595,613, C>T. VCF-style: chr1-237595613-C-T. GRCh37 (hg19) VCF-style: chr1-237758913-C-T.
Other names: short protein forms L1518F.
Identifiers: ClinVar variation 3720292 (VCV003720292.2).